The following is an entry in ClinVar:

NM_018082.6(POLR3B):c.3066C>A (p.Ala1022=)

Genes: POLR3B (RNA polymerase III subunit B; plus strand), RFX4-AS1 (RFX4 antisense RNA 1; minus strand). Cytogenetic location: 12q23.3.
Variant type: single nucleotide variant.
Coding change: c.3066C>A on transcript NM_018082.6 (MANE Select); coding-DNA position 3066, C replaced by A.
Protein change: p.Ala1022=; no amino-acid change (alanine 1022 retained).
Molecular consequence: synonymous variant.
Genome position (GRCh38, 1-based): chr12:106,501,404, C>A. VCF-style: chr12-106501404-C-A. GRCh37 (hg19) VCF-style: chr12-106895182-C-A.
Other names: c.3066C>A (NM_018082.5); c.2892C>A, p.Ala964= (NM_001160708.2).
Identifiers: ClinVar variation 1690968 (VCV001690968.10), dbSNP rs145991322, ClinGen allele CA6762393.

ClinVar aggregate classification (germline): Conflicting classifications of pathogenicity. Review status: criteria provided, conflicting classifications (1 of 4 stars). 4 submissions from 4 submitters: Uncertain significance (1); Benign (1); Likely benign (1). 1 of the submissions does not count toward it. Last evaluated 2025-02-15.

Conditions:
POLR3B-related disorder. Also called: POLR3B-related condition; POLR3B-related disorders. Identifiers: MedGen CN378588, MONDO:0700277.

Allele frequency attached by ClinVar (database versions not stated): 1000 Genomes Project 30x 0.00031; 1000 Genomes Project 0.00040; gnomAD 0.00076 and 0.00084; TOPMed 0.00077; ESP Exome Variant Server 0.00100.
gnomAD v4.1: 181 of 1,613,154 alleles (0.011%); highest among the groups gnomAD compares: African/African-American, 0.22%; no homozygotes.

Submissions (4):

Labcorp Genetics (formerly Invitae), Labcorp
Classification: Benign. Last evaluated: 2025-02-15. Review status: criteria provided, single submitter. Criteria: Invitae Variant Classification Sherloc (09022015). Collection method: clinical testing. Allele origin: germline.

Blueprint Genetics
Classification: Likely benign. Last evaluated: 2024-09-04. Review status: criteria provided, single submitter. Criteria: ACMG Guidelines, 2015. Collection method: clinical testing. Allele origin: germline.

Laboratorio de Genetica e Diagnostico Molecular, Hospital Israelita Albert Einstein
Classification: Uncertain significance. Last evaluated: 2020-11-16. Review status: criteria provided, single submitter. Criteria: ACMG Guidelines, 2015. Collection method: clinical testing. Allele origin: germline. Affected: yes.
Comment: ACMG classification criteria: BP7

PreventionGenetics, part of Exact Sciences
Classification: Likely benign for POLR3B-related condition. Last evaluated: 2019-10-28. Review status: no assertion criteria provided. Collection method: clinical testing. Allele origin: germline. Not counted in ClinVar's aggregate classification.
Comment: This variant is classified as likely benign based on ACMG/AMP sequence variant interpretation guidelines (Richards et al. 2015 PMID: 25741868, with internal and published modifications).